The following is an entry in ClinVar:

NM_004260.4(RECQL4):c.149G>A (p.Arg50His)

Genes: RECQL4 (RecQ like helicase 4; minus strand), LOC130001411 (ATAC-STARR-seq lymphoblastoid silent region 19699; plus strand). Cytogenetic location: 8q24.3.
Variant type: single nucleotide variant.
Coding change: c.149G>A on transcript NM_004260.4 (MANE Select); coding-DNA position 149, G replaced by A.
Protein change: p.Arg50His; replaces arginine 50 with histidine.
Molecular consequence: missense variant.
Genome position (GRCh38, 1-based): chr8:144,517,478, C>T on the plus strand (G>A on the coding strand, the complement: RECQL4 is on the minus strand). VCF-style: chr8-144517478-C-T. GRCh37 (hg19) VCF-style: chr8-145742862-C-T.
Other names: c.149G>A (NM_004260.3); short protein forms R50H.
Identifiers: ClinVar variation 1009469 (VCV001009469.6), dbSNP rs551963857, ClinGen allele CA4949472.

ClinVar aggregate classification (germline): Uncertain significance. Review status: criteria provided, multiple submitters, no conflicts (2 of 4 stars). 2 submissions from 2 submitters: Uncertain significance (2). Last evaluated 2025-08-27.

Conditions:
Inborn genetic diseases. Identifiers: MedGen C0950123, MeSH D030342.
Baller-Gerold syndrome (BGS). Also called: CRANIOSYNOSTOSIS WITH RADIAL DEFECTS. Identifiers: Orphanet 1225, MedGen C0265308, MONDO:0009039, OMIM 218600.

Allele frequency attached by ClinVar (database versions not stated): gnomAD exomes below 0.00001; gnomAD 0.00002 and 0.00003; ExAC 0.00003; TOPMed 0.00004; 1000 Genomes Project 30x 0.00016; 1000 Genomes Project 0.00020.
gnomAD v4.1: 7 of 1,597,138 alleles (0.00044%); highest among the groups gnomAD compares: African/African-American, 0.0094%; no homozygotes.

Submissions (2):

Labcorp Genetics (formerly Invitae), Labcorp
Classification: Uncertain significance for Baller-Gerold syndrome. Last evaluated: 2025-08-27. Review status: criteria provided, single submitter. Criteria: Invitae Variant Classification Sherloc (09022015). Collection method: clinical testing. Allele origin: germline.
Comment: This sequence change replaces arginine, which is basic and polar, with histidine, which is basic and polar, at codon 50 of the RECQL4 protein (p.Arg50His). The frequency data for this variant in the population databases is considered unreliable, as metrics indicate poor data quality at this position in the gnomAD database. This variant has not been reported in the literature in individuals affected with RECQL4-related conditions. ClinVar contains an entry for this variant (Variation ID: 1009469). An algorithm developed to predict the effect of missense changes on protein structure and function outputs the following: PolyPhen-2: "Not Available". The histidine amino acid residue is found in multiple mammalian species, which suggests that this missense change does not adversely affect protein function. In summary, the available evidence is currently insufficient to determine the role of this variant in disease. Therefore, it has been classified as a Variant of Uncertain Significance.

Ambry Genetics
Classification: Uncertain significance for Inborn genetic diseases. Last evaluated: 2024-12-09. Review status: criteria provided, single submitter. Criteria: Ambry Variant Classification Scheme 2023. Collection method: clinical testing. Allele origin: germline.
Comment: The p.R50H variant (also known as c.149G>A), located in coding exon 3 of the RECQL4 gene, results from a G to A substitution at nucleotide position 149. The arginine at codon 50 is replaced by histidine, an amino acid with highly similar properties. This amino acid position is conserved. In addition, this alteration is predicted to be tolerated by in silico analysis. Based on the available evidence, the clinical significance of this variant remains unclear.